The following is an entry in ClinVar:

NC_000017.10:g.(?_44159787)_(44159928_?)dup

Gene: KANSL1 (KAT8 regulatory NSL complex subunit 1). Cytogenetic location: 17q21.31.
Variant type: Duplication.
Identifiers: ClinVar variation 1410323 (VCV001410323.5).

ClinVar aggregate classification (germline): Pathogenic (1 of 4 stars; one submission).

Conditions:
Koolen-de Vries syndrome (KDVS). Identifiers: Orphanet 96169, MedGen C1864871, MONDO:0012496, OMIM 610443.

Submission:

Labcorp Genetics (formerly Invitae), Labcorp
Classification: Pathogenic for Koolen-de Vries syndrome. Last evaluated: 2022-11-21. Review status: criteria provided, single submitter. Criteria: Invitae Variant Classification Sherloc (09022015). Collection method: clinical testing. Allele origin: germline.
Comment: For these reasons, this variant has been classified as Pathogenic. A similar copy number variant has been observed in individual(s) with clinical features of KANSL1-related conditions (Invitae). In at least one individual the variant was observed to be de novo. This variant results in a copy number gain of the genomic region encompassing exon(s) 4 of the KANSL1 gene. While the exact position of this variant cannot be determined from the data, sub-genic copy number gains are generally in tandem (PMID: 25640679). This variant is predicted to be in-frame, and likely preserves the integrity of the reading frame.

Literature cited by the submitters: PubMed 25640679.